The following is an entry in ClinVar:

NM_015412.4(RMP64):c.*7G>A

Gene: RMP64 (ribonuclease MRP subunit p64; minus strand). Cytogenetic location: 3q13.2.
Variant type: single nucleotide variant.
Coding change: c.*7G>A on transcript NM_015412.4 (MANE Select); 7 bases downstream of the stop codon, G replaced by A.
Molecular consequence: 3 prime UTR variant. On other transcripts: non-coding transcript variant (1).
Genome position (GRCh38, 1-based): chr3:113,005,529, C>T on the plus strand (G>A on the coding strand, the complement: RMP64 is on the minus strand). VCF-style: chr3-113005529-C-T. GRCh37 (hg19) VCF-style: chr3-112724376-C-T.
Other names: c.*7G>A (NM_001319109.2, NM_001319110.2, NM_001319111.2 and 3 more transcripts).
Identifiers: ClinVar variation 4981560 (VCV004981560.1).
Genomic context (GRCh38, chr3:113,005,529, plus strand): 5'-GCAGTTCTACTTAGAACACTGAACTAGCCTTGTTAATCACTTAAAAGTCTCACATATGAA[C>T]GAACATCTAAACTCCCATTAAAGCAAAAATATCATCAATGTCATCTGTCTCCTTAATGGT-3'

ClinVar aggregate classification (germline): Likely benign (1 of 4 stars; one submission).

Conditions:
RMP64-related condition.

gnomAD v4.1: 165 of 1,553,798 alleles (0.011%); highest among the groups gnomAD compares: African/African-American, 0.2%; no homozygotes.

Submission:

PreventionGenetics, part of Exact Sciences
Classification: Likely benign for RMP64-related condition. Last evaluated: 2024-11-04. Review status: criteria provided, single submitter. Criteria: ACMG Guidelines, 2015. Collection method: clinical testing. Allele origin: germline.
Comment: This variant is classified as likely benign based on ACMG/AMP sequence variant interpretation guidelines (Richards et al. 2015 PMID: 25741868, with internal and published modifications).